The following is an entry in ClinVar:

ClinVar aggregate classification (germline): Uncertain significance. Review status: criteria provided, multiple submitters, no conflicts (2 of 4 stars). 4 submissions from 4 submitters: Uncertain significance (4). Last evaluated 2025-07-30.

Allele frequency attached by ClinVar (database versions not stated): ExAC 0.00001; gnomAD exomes 0.00001; ESP Exome Variant Server 0.00008; TOPMed 0.00012; gnomAD 0.00015.
gnomAD v4.1: 30 of 1,614,120 alleles (0.0019%); highest among the groups gnomAD compares: African/African-American, 0.039%; no homozygotes.

Submissions (4):

Mayo Clinic Laboratories, Mayo Clinic
Classification: Uncertain significance. Last evaluated: 2025-07-30. Review status: criteria provided, single submitter. Criteria: ACMG Guidelines, 2015. Collection method: clinical testing. Allele origin: germline. Observed: 2 variant alleles.
Comment: BP4_moderate

Women's Health and Genetics/Laboratory Corporation of America, LabCorp
Classification: Uncertain significance. Last evaluated: 2025-06-30. Review status: criteria provided, single submitter. Criteria: LabCorp Variant Classification Summary - May 2015. Collection method: clinical testing. Allele origin: germline.
Comment: Variant summary: ANKRD26 c.1900T>C (p.Phe634Leu) results in a non-conservative amino acid change in the encoded protein sequence. Algorithms developed to predict the effect of missense changes on protein structure and function are either unavailable or do not agree on the potential impact of this missense change. The variant allele was found at a frequency of 2e-05 in 249508 control chromosomes (gnomAD). The available data on variant occurrences in the general population are insufficient to allow any conclusion about variant significance. To our knowledge, no occurrence of c.1900T>C in individuals affected with Thrombocytopenia 2 and no experimental evidence demonstrating its impact on protein function have been reported. ClinVar contains an entry for this variant (Variation ID: 2708306). Based on the evidence outlined above, the variant was classified as uncertain significance.

Labcorp Genetics (formerly Invitae), Labcorp
Classification: Uncertain significance. Last evaluated: 2025-04-27. Review status: criteria provided, single submitter. Criteria: Invitae Variant Classification Sherloc (09022015). Collection method: clinical testing. Allele origin: germline.
Comment: This sequence change replaces phenylalanine, which is neutral and non-polar, with leucine, which is neutral and non-polar, at codon 634 of the ANKRD26 protein (p.Phe634Leu). This variant is present in population databases (rs371278932, gnomAD 0.03%). This variant has not been reported in the literature in individuals affected with ANKRD26-related conditions. ClinVar contains an entry for this variant (Variation ID: 2708306). An algorithm developed to predict the effect of missense changes on protein structure and function outputs the following: PolyPhen-2: "Benign". The leucine amino acid residue is found in multiple mammalian species, which suggests that this missense change does not adversely affect protein function. In summary, the available evidence is currently insufficient to determine the role of this variant in disease. Therefore, it has been classified as a Variant of Uncertain Significance.

GeneDx
Classification: Uncertain significance. Last evaluated: 2023-10-26. Review status: criteria provided, single submitter. Criteria: GeneDx Variant Classification Process June 2021. Collection method: clinical testing. Allele origin: germline. Affected: yes.
Comment: In silico analysis supports that this missense variant does not alter protein structure/function; Has not been previously published as pathogenic or benign to our knowledge

NM_014915.3(ANKRD26):c.1900T>C (p.Phe634Leu)

Gene: ANKRD26 (ankyrin repeat domain 26; minus strand). Cytogenetic location: 10p12.1.
Variant type: single nucleotide variant.
Coding change: c.1900T>C on transcript NM_014915.3 (MANE Select); coding-DNA position 1900, T replaced by C.
Protein change: p.Phe634Leu; replaces phenylalanine 634 with leucine.
Molecular consequence: missense variant.
Genome position (GRCh38, 1-based): chr10:27,046,438, A>G on the plus strand (T>C on the coding strand, the complement: ANKRD26 is on the minus strand). VCF-style: chr10-27046438-A-G. GRCh37 (hg19) VCF-style: chr10-27335367-A-G.
Other names: p.Phe634Leu; c.1897T>C, p.Phe633Leu (NM_001256053.2); short protein forms F633L, F634L.
Identifiers: ClinVar variation 2708306 (VCV002708306.7), dbSNP rs371278932, ClinGen allele CA5448373.